The following is an entry in ClinVar:

NM_006030.4(CACNA2D2):c.1389+2T>C

Gene: CACNA2D2 (calcium voltage-gated channel auxiliary subunit alpha2delta 2; minus strand). Cytogenetic location: 3p21.31.
Variant type: single nucleotide variant.
Coding change: c.1389+2T>C on transcript NM_006030.4 (MANE Select); the canonical splice donor site of the intron after coding-DNA position 1389, T replaced by C.
Molecular consequence: splice donor variant.
Genome position (GRCh38, 1-based): chr3:50,378,282, A>G on the plus strand (T>C on the coding strand, the complement: CACNA2D2 is on the minus strand). VCF-style: chr3-50378282-A-G. GRCh37 (hg19) VCF-style: chr3-50415713-A-G.
Other names: c.1182+2T>C (NM_001291101.1); c.1389+2T>C (NM_001005505.3, NM_001410768.1, NM_001174051.3).
Identifiers: ClinVar variation 645106 (VCV000645106.7), dbSNP rs1575601202, ClinGen allele CA352930000.

ClinVar aggregate classification (germline): Likely pathogenic (1 of 4 stars; one submission).

Conditions:
Early-infantile DEE. Also called: Early infantile epileptic encephalopathy with suppression bursts; Early infantile epileptic encephalopathy; Ohtahara syndrome. Identifiers: Orphanet 1934, MedGen C0393706, MONDO:0800491.

Submission:

Labcorp Genetics (formerly Invitae), Labcorp
Classification: Likely pathogenic for Early-infantile DEE. Last evaluated: 2022-07-12. Review status: criteria provided, single submitter. Criteria: Invitae Variant Classification Sherloc (09022015). Collection method: clinical testing. Allele origin: germline.
Comment: In summary, the currently available evidence indicates that the variant is pathogenic, but additional data are needed to prove that conclusively. Therefore, this variant has been classified as Likely Pathogenic. Algorithms developed to predict the effect of sequence changes on RNA splicing suggest that this variant may disrupt the consensus splice site. ClinVar contains an entry for this variant (Variation ID: 645106). This variant has not been reported in the literature in individuals affected with CACNA2D2-related conditions. This variant is not present in population databases (gnomAD no frequency). This sequence change affects a donor splice site in intron 14 of the CACNA2D2 gene. It is expected to disrupt RNA splicing. Variants that disrupt the donor or acceptor splice site typically lead to a loss of protein function (PMID: 16199547), and loss-of-function variants in CACNA2D2 are known to be pathogenic (PMID: 24358150).

Literature cited by the submitters: PubMed 16199547; PubMed 24358150.